The following is an entry in ClinVar:

NM_001009944.3(PKD1):c.12489_12490del (p.Arg4164fs)

Gene: PKD1 (polycystin 1, transient receptor potential channel interacting; minus strand). Cytogenetic location: 16p13.3.
Variant type: Microsatellite.
Coding change: c.12489_12490del on transcript NM_001009944.3 (MANE Select); coding-DNA positions 12489 to 12490, 2 bases deleted (TC; older notation c.12489_12490delTC).
Protein change: p.Arg4164fs; shifts the reading frame from arginine 4164.
Molecular consequence: frameshift variant.
Genome position (GRCh38, 1-based): chr16:2,090,149-2,090,150, GA deleted on the plus strand (TC on the coding strand, the reverse complement: PKD1 is on the minus strand); deleting any 2 consecutive bases within chr16:2,090,149-2,090,153 gives the same sequence; the c. name uses the placement nearest the transcript's 3' end. VCF-style (leftmost placement, unchanged base first): chr16-2090148-CGA-C. GRCh37 (hg19) VCF-style: chr16-2140149-CGA-C.
Other names: c.12489_12490delTC (NM_001009944.2, NM_001009944.3); c.12486_12487del, p.Arg4163fs (NM_000296.4); short protein forms R4163fs, R4164fs.
Identifiers: ClinVar variation 992434 (VCV000992434.7), dbSNP rs2091411664, ClinGen allele CA2202040875.

ClinVar aggregate classification (germline): Pathogenic/Likely pathogenic. Review status: criteria provided, multiple submitters, no conflicts (2 of 4 stars). 5 submissions from 5 submitters: Pathogenic (2); Likely pathogenic (1). 2 of the submissions do not count toward it. Last evaluated 2025-05-01.

Conditions:
Polycystic kidney disease, adult type (PKD1). Also called: POLYCYSTIC KIDNEY DISEASE, ADULT, TYPE I; Polycystic Kidney, Autosomal Dominant; POLYCYSTIC KIDNEY DISEASE 1 WITH OR WITHOUT POLYCYSTIC LIVER DISEASE; Polycystic Kidney Disease 1, Autosomal Dominant; Polycystic kidney disease 1; Polycystic kidney disease 1, severe. Identifiers: MedGen C3149841, MONDO:0008263, OMIM 173900.
PKD1-related disorder. Also called: PKD1-related condition.

Submissions (5):

Women's Health and Genetics/Laboratory Corporation of America, LabCorp
Classification: Pathogenic for Polycystic kidney disease, adult type. Last evaluated: 2025-05-01. Review status: criteria provided, single submitter. Criteria: LabCorp Variant Classification Summary - May 2015. Collection method: clinical testing. Allele origin: germline.
Comment: Variant summary: PKD1 c.12489_12490delTC (p.Arg4164LeufsX45) results in a premature termination codon, predicted to cause a truncation of the encoded protein, and at-least two downstream variants are evaluated Pathogenic in ClinVar (c.12739C>T p.Gln4247Ter and c.12557_12558del p.His4186ProfsTer23). The variant was absent in 232454 control chromosomes. c.12489_12490delTC has been observed at a heterozygous state in at-least two individuals affected with Autosomal Dominant Polycystic Kidney Disease (example, Kurashige_2015, Zhang_2018). These data indicate that the variant may be associated with disease. To our knowledge, no experimental evidence demonstrating an impact on protein function has been reported. The following publications have been ascertained in the context of this evaluation (PMID: 24611717, 29633482). ClinVar contains an entry for this variant (Variation ID: 992434). Based on the evidence outlined above, the variant was classified as pathogenic.

Fulgent Genetics
Classification: Likely pathogenic for Polycystic kidney disease, adult type. Last evaluated: 2024-02-14. Review status: criteria provided, single submitter. Criteria: ACMG Guidelines, 2015. Collection method: clinical testing. Allele origin: germline.

Blueprint Genetics
Classification: Pathogenic for PKD1-related disorders. Last evaluated: 2023-08-31. Review status: criteria provided, single submitter. Criteria: ACMG Guidelines, 2015. Collection method: clinical testing. Allele origin: germline. Affected: yes. Observed: 4 variant alleles.

PreventionGenetics, part of Exact Sciences
Classification: Pathogenic for PKD1-related condition. Last evaluated: 2024-04-10. Review status: no assertion criteria provided. Collection method: clinical testing. Allele origin: germline. Not counted in ClinVar's aggregate classification.
Comment: The PKD1 c.12489_12490delTC variant is predicted to result in a frameshift and premature protein termination (p.Arg4164Leufs*45). This variant has been reported to be pathogenic for autosomal dominant polycystic kidney disease (ADPKD) (see for example, Zhang et al. 2018. PubMed ID: 29633482). This variant has not been reported in a large population database, indicating this variant is rare. Frameshift variants in PKD1 are expected to be pathogenic. This variant is interpreted as pathogenic.

Bioscientia Institut fuer Medizinische Diagnostik GmbH, Sonic Healthcare
Classification: Pathogenic for Polycystic kidney disease, adult type. Last evaluated: 2020-09-09. Review status: no assertion criteria provided. Collection method: clinical testing. Allele origin: germline. Affected: yes. Not counted in ClinVar's aggregate classification.

Literature cited by the submitters: PubMed 24611717 (cited by Women's Health and Genetics/Laboratory Corporation of America, LabCorp); PubMed 29633482 (cited by Women's Health and Genetics/Laboratory Corporation of America, LabCorp).